The following is an entry in ClinVar:

NM_004304.5(ALK):c.3721G>A (p.Glu1241Lys)

Gene: ALK (ALK receptor tyrosine kinase; minus strand). Cytogenetic location: 2p23.2.
Variant type: single nucleotide variant.
Coding change: c.3721G>A on transcript NM_004304.5 (MANE Select); coding-DNA position 3721, G replaced by A.
Protein change: p.Glu1241Lys; replaces glutamic acid 1241 with lysine.
Molecular consequence: missense variant.
Genome position (GRCh38, 1-based): chr2:29,214,006, C>T on the plus strand (G>A on the coding strand, the complement: ALK is on the minus strand). VCF-style: chr2-29214006-C-T. GRCh37 (hg19) VCF-style: chr2-29436872-C-T.
Other names: c.517G>A, p.Glu173Lys (NM_001353765.2); short protein forms E173K, E1241K.
Identifiers: ClinVar variation 2763866 (VCV002763866.3), dbSNP rs948993224, ClinGen allele CA44649640.

ClinVar aggregate classification (germline): Uncertain significance (1 of 4 stars; one submission).

Conditions:
Neuroblastoma, susceptibility to, 3. Also called: ALK-Related Neuroblastic Tumor Susceptibility. Identifiers: Orphanet 635, MedGen C2751681, MONDO:0013083, OMIM 613014.

gnomAD v4.1: 1 of 1,613,940 alleles (0.000062%); highest among the groups gnomAD compares: Non-Finnish European, 0.000085%; no homozygotes.

Submission:

Labcorp Genetics (formerly Invitae), Labcorp
Classification: Uncertain significance for Neuroblastoma, susceptibility to, 3. Last evaluated: 2024-04-22. Review status: criteria provided, single submitter. Criteria: Invitae Variant Classification Sherloc (09022015). Collection method: clinical testing. Allele origin: germline.
Comment: This sequence change replaces glutamic acid, which is acidic and polar, with lysine, which is basic and polar, at codon 1241 of the ALK protein (p.Glu1241Lys). This variant is not present in population databases (gnomAD no frequency). This variant has not been reported in the literature in individuals affected with ALK-related conditions. An algorithm developed to predict the effect of missense changes on protein structure and function (PolyPhen-2) suggests that this variant is likely to be disruptive. In summary, the available evidence is currently insufficient to determine the role of this variant in disease. Therefore, it has been classified as a Variant of Uncertain Significance.